The following is an entry in ClinVar:

ClinVar aggregate classification (germline): Pathogenic/Likely pathogenic. Review status: criteria provided, multiple submitters, no conflicts (2 of 4 stars). 10 submissions from 10 submitters: Pathogenic (3); Likely pathogenic (7). Last evaluated 2026-09-21.

Conditions:
CEP290-related disorder. Also called: CEP290-related condition; CEP290-related disorders. Identifiers: MedGen CN239314.
Micrognathia. Also called: Mandibular hypoplasia. Identifiers: MedGen C0025990, HP:0000347.
Hypotonia. Also called: Muscular hypotonia; poor muscle tone. Identifiers: MedGen C0026827, HP:0001252.
Global developmental delay (DD). Also called: Cognitive delay. Identifiers: MedGen C0557874, HP:0001263. Disease mechanism: loss of function.
Abnormal facial shape. Also called: Dysmorphic facies; Dysmorphic facial features. Identifiers: MedGen C0424503, HP:0001999.
Nephronophthisis. Also called: Juvenile Nephronophthisis. Identifiers: Orphanet 655, MedGen C0687120, MONDO:0019005, HP:0000090.
Meckel-Gruber syndrome. Also called: Dysencephalia splachnocystica; DYSENCEPHALIA SPLANCHNOCYSTICA; GRUBER SYNDROME. Identifiers: Orphanet 564, MedGen C0265215, MONDO:0018921.
Joubert syndrome. Also called: JOUBERT-BOLTSHAUSER SYNDROME; Familial aplasia of the vermis. Identifiers: Orphanet 475, MedGen C5979921, MONDO:0018772.
Joubert syndrome 5 (JBTS5). Identifiers: Orphanet 2318, MedGen C1857780, MONDO:0012432, OMIM 610188.
Bardet-Biedl syndrome 14 (BBS14). Identifiers: Orphanet 110, MedGen C2673874, MONDO:0014442, OMIM 615991.
Meckel syndrome, type 4 (MKS4). Also called: MECKEL-GRUBER SYNDROME, TYPE 4. Identifiers: Orphanet 564, MedGen C1970161, MONDO:0012626, OMIM 611134.
Senior-Loken syndrome 6 (SLSN6). Identifiers: Orphanet 3156, MedGen C1857779, MONDO:0012433, OMIM 610189.
Leber congenital amaurosis 10 (LCA10). Identifiers: Orphanet 65, MedGen C1857821, MONDO:0012723, OMIM 611755.
Retinal dystrophy. Also called: Inherited retinal dystrophy. Identifiers: Orphanet 71862, MedGen C0854723, MeSH D058499, MONDO:0019118, HP:0000556.
Leber congenital amaurosis (LCA). Also called: Leber's amaurosis. Identifiers: Orphanet 65, MedGen C0339527, MeSH D057130, MONDO:0018998.

Submissions (10):

PreventionGenetics, part of Exact Sciences
Classification: Pathogenic for CEP290-related condition. Last evaluated: 2026-09-21. Review status: criteria provided, single submitter. Criteria: ACMG Guidelines, 2015. Collection method: clinical testing. Allele origin: germline.
Comment: The CEP290 c.7220_7223delAGAA variant is predicted to result in a frameshift and premature protein termination (p.Lys2407Serfs*2). To our knowledge, this variant has not been reported in association with disease in the literature. This variant is reported in 0.012% of alleles in individuals of Latino descent in gnomAD. This variant is located within the terminal exon and multiple downstream truncating variants have been documented to be causative for CEP290-associated disorders (Human Gene Mutation Database). Frameshift variants in CEP290 are expected to be pathogenic. This variant is interpreted as pathogenic.

Labcorp Genetics (formerly Invitae), Labcorp
Classification: Pathogenic for Joubert syndrome; Meckel-Gruber syndrome; Nephronophthisis. Last evaluated: 2026-01-14. Review status: criteria provided, single submitter. Criteria: Invitae Variant Classification Sherloc (09022015). Collection method: clinical testing. Allele origin: germline.
Comment: This sequence change creates a premature translational stop signal (p.Lys2407Serfs*2) in the CEP290 gene. While this is not anticipated to result in nonsense mediated decay, it is expected to disrupt the last 73 amino acid(s) of the CEP290 protein. This variant is present in population databases (rs763762899, gnomAD 0.01%). This variant has not been reported in the literature in individuals affected with CEP290-related conditions. ClinVar contains an entry for this variant (Variation ID: 418123). This variant disrupts a region of the CEP290 protein in which other variant(s) (p.Leu2448Thrfs*8) have been determined to be pathogenic (PMID: 16682973, 16909394, 29588463). This suggests that this is a clinically significant region of the protein, and that variants that disrupt it are likely to be disease-causing. For these reasons, this variant has been classified as Pathogenic.

Natera, Inc.
Classification: Likely pathogenic for Leber congenital amaurosis. Last evaluated: 2025-06-23. Review status: criteria provided, single submitter. Criteria: Natera Variant Classification Schema (03/2026). Collection method: clinical testing. Allele origin: germline.
Comment: The c.7220_7223delAGAA variant in CEP290 is a frameshift variant predicted to shift the reading frame beginning at codon 2407 and leads to a stop codon 2 codons downstream. This variant is expected to result in nonsense mediated decay, truncation, or a dysfunctional protein product. This variant is rare in the general population with a frequency below the threshold expected for the associated phenotype(s). Given the available evidence, this variant is classified as Likely Pathogenic.

Blueprint Genetics
Classification: Likely pathogenic for CEP290-related disorders. Last evaluated: 2024-09-17. Review status: criteria provided, single submitter. Criteria: ACMG Guidelines, 2015. Collection method: clinical testing. Allele origin: germline. Affected: yes. Observed: 5 variant alleles.

Fulgent Genetics
Classification: Likely pathogenic for Joubert syndrome 5; Senior-Loken syndrome 6; Meckel syndrome, type 4; Leber congenital amaurosis 10; Bardet-Biedl syndrome 14. Last evaluated: 2024-03-12. Review status: criteria provided, single submitter. Criteria: ACMG Guidelines, 2015. Collection method: clinical testing. Allele origin: germline.

Baylor Genetics
Classification: Likely pathogenic for Bardet-Biedl syndrome 14. Last evaluated: 2024-02-22. Review status: criteria provided, single submitter. Criteria: ACMG Guidelines, 2015. Collection method: clinical testing. Allele origin: unknown.

Women's Health and Genetics/Laboratory Corporation of America, LabCorp
Classification: Pathogenic for Meckel syndrome, type 4. Last evaluated: 2024-01-04. Review status: criteria provided, single submitter. Criteria: LabCorp Variant Classification Summary - May 2015. Collection method: clinical testing. Allele origin: germline.
Comment: Variant summary: CEP290 c.7220_7223delAGAA (p.Lys2407SerfsX2) results in a premature termination codon and although it is not expected to cause absence of the protein due to nonsense mediated decay, it is predicted to cause a truncation of the encoded protein, a commonly known mechanism for disease. Variants downstream of this position have been classified as pathogenic by our laboratory. The variant allele was found at a frequency of 3.1e-05 in 190972 control chromosomes (gnomAD). To our knowledge, no occurrence of c.7220_7223delAGAA in individuals affected with Meckel Syndrome Type 4 or other CEP290-related disorders and no experimental evidence demonstrating its impact on protein function have been reported in the literature. Four submitters have cited clinical-significance assessments for this variant to ClinVar after 2014. All submitters classified the variant as pathogenic/likely pathogenic. Based on the evidence outlined above, the variant was classified as pathogenic.

Institute of Human Genetics, Univ. Regensburg, Univ. Regensburg
Classification: Likely pathogenic for Retinal dystrophy. Last evaluated: 2022-01-01. Review status: criteria provided, single submitter. Criteria: ACMG Guidelines, 2015. Collection method: clinical testing. Allele origin: germline. Affected: yes.

Knight Diagnostic Laboratories, Oregon Health and Sciences University
Classification: Likely pathogenic for Micrognathia; Abnormal facial shape; Global developmental delay; Hypotonia. Last evaluated: 2019-12-13. Review status: criteria provided, single submitter. Criteria: ACMG Guidelines, 2015. Collection method: clinical testing. Allele origin: germline. Observed: 1 variant allele.

GeneDx
Classification: Likely pathogenic. Last evaluated: 2018-06-13. Review status: criteria provided, single submitter. Criteria: GeneDx Variant Classification (06012015). Collection method: clinical testing. Allele origin: germline. Affected: yes.
Comment: A variant that is likely pathogenic has been identified in the CEP290 gene. The c.7220_7223delAGAA variant has not been published as a pathogenic variant, nor has it been reported as a benign variant to our knowledge. The c.7220_7223delAGAA variant causes a frameshift starting with codon Lysine 2407, changes this amino acid to a Serine residue and creates a premature Stop codon at position 2 of the new reading frame, denoted p.Lys2407SerfsX2. This variant is predicted to cause loss of normal protein function through protein truncation. The c.7220_7223delAGAA variant is not observed at a significant frequency in large population cohorts (Lek et al., 2016). Therefore, this variant is likely pathogenic; however, the possibility that it is benign cannot be excluded.

Literature cited by the submitters: PubMed 16682973 (cited by Labcorp Genetics (formerly Invitae), Labcorp); PubMed 16909394 (cited by Labcorp Genetics (formerly Invitae), Labcorp); PubMed 29588463 (cited by Labcorp Genetics (formerly Invitae), Labcorp); PubMed 31589614 (cited by Institute of Human Genetics, Univ. Regensburg, Univ. Regensburg).

NM_025114.4(CEP290):c.7220_7223del (p.Lys2407fs)

Genes: CEP290 (centrosomal protein 290; minus strand), RLIG1 (RNA 5'-phosphate and 3'-OH ligase 1; plus strand). Cytogenetic location: 12q21.32.
Variant type: Deletion.
Coding change: c.7220_7223del on transcript NM_025114.4 (MANE Select); coding-DNA positions 7220 to 7223, 4 bases deleted (AGAA; older notation c.7220_7223delAGAA).
Protein change: p.Lys2407fs; shifts the reading frame from lysine 2407.
Molecular consequence: frameshift variant. On other transcripts: 3 prime UTR variant (1).
Genome position (GRCh38, 1-based): chr12:88,049,401-88,049,404, TTCT deleted on the plus strand (AGAA on the coding strand, the reverse complement: CEP290 is on the minus strand); deleting any 4 consecutive bases within chr12:88,049,401-88,049,406 gives the same sequence; the c. name uses the placement nearest the transcript's 3' end. VCF-style (leftmost placement, unchanged base first): chr12-88049400-CTTCT-C. GRCh37 (hg19) VCF-style: chr12-88443177-CTTCT-C.
Other names: c.*981_*984del (NM_001009894.3); c.7220_7223delAGAA (NM_025114.3, NM_025114.4); short protein forms K2407fs.
Identifiers: ClinVar variation 418123 (VCV000418123.22), dbSNP rs763762899, ClinGen allele CA6711313.